The following is an entry in ClinVar:

NM_002860.4(ALDH18A1):c.2117_2118del (p.Thr706fs)

Gene: ALDH18A1 (aldehyde dehydrogenase 18 family member A1; minus strand). Cytogenetic location: 10q24.1.
Variant type: Microsatellite.
Coding change: c.2117_2118del on transcript NM_002860.4 (MANE Select); coding-DNA positions 2117 to 2118, 2 bases deleted (CA; older notation c.2117_2118delCA).
Protein change: p.Thr706fs; shifts the reading frame from threonine 706.
Molecular consequence: frameshift variant.
Genome position (GRCh38, 1-based): chr10:95,610,285-95,610,286, TG deleted on the plus strand (CA on the coding strand, the reverse complement: ALDH18A1 is on the minus strand); deleting any 2 consecutive bases within chr10:95,610,285-95,610,289 gives the same sequence; the c. name uses the placement nearest the transcript's 3' end. VCF-style (leftmost placement, unchanged base first): chr10-95610284-CTG-C. GRCh37 (hg19) VCF-style: chr10-97370041-CTG-C.
Other names: c.2111_2112del, p.Thr704fs (NM_001017423.2, NM_001323415.2); c.1784_1785del, p.Thr595fs (NM_001323412.2, NM_001323416.2); c.2117_2118del, p.Thr706fs (NM_001323413.2, NM_001323414.2); c.2012_2013del, p.Thr671fs (NM_001323417.2); c.1778_1779del, p.Thr593fs (NM_001323418.2); c.1481_1482del, p.Thr494fs (NM_001323419.2); short protein forms T671fs, T593fs, T706fs, T595fs, T704fs, T494fs.
Identifiers: ClinVar variation 2035292 (VCV002035292.4), dbSNP rs2526696945, ClinGen allele CA2580615585.

ClinVar aggregate classification (germline): Pathogenic (1 of 4 stars; one submission).

Conditions:
de Barsy syndrome. Also called: Cutis laxa-corneal clouding-oligophrenia syndrome. Identifiers: Orphanet 2962, MedGen C0268354, MONDO:0017569.
Cutis laxa, autosomal dominant 3 (ADCL3). Identifiers: Orphanet 90348, MedGen C4225268, MONDO:0014706, OMIM 616603.
Autosomal dominant spastic paraplegia type 9. Identifiers: MedGen C1832669, MONDO:0015091.

Submission:

Labcorp Genetics (formerly Invitae), Labcorp
Classification: Pathogenic for Autosomal dominant spastic paraplegia type 9; de Barsy syndrome; Cutis laxa, autosomal dominant 3. Last evaluated: 2023-12-19. Review status: criteria provided, single submitter. Criteria: Invitae Variant Classification Sherloc (09022015). Collection method: clinical testing. Allele origin: germline.
Comment: This sequence change creates a premature translational stop signal (p.Thr706Serfs*23) in the ALDH18A1 gene. While this is not anticipated to result in nonsense mediated decay, it is expected to disrupt the last 90 amino acid(s) of the ALDH18A1 protein. This variant is not present in population databases (gnomAD no frequency). This variant has not been reported in the literature in individuals affected with ALDH18A1-related conditions. Experimental studies and prediction algorithms are not available or were not evaluated, and the functional significance of this variant is currently unknown. This variant disrupts a region of the ALDH18A1 protein in which other variant(s) (p.Asp715His) have been determined to be pathogenic (PMID: 26026163). This suggests that this is a clinically significant region of the protein, and that variants that disrupt it are likely to be disease-causing. For these reasons, this variant has been classified as Pathogenic.

Literature cited by the submitters: PubMed 26026163.